The following is an entry in ClinVar:

NM_000054.7(AVPR2):c.275A>C (p.Gln92Pro)

Gene: AVPR2 (arginine vasopressin receptor 2; plus strand). Cytogenetic location: Xq28.
Variant type: single nucleotide variant.
Coding change: c.275A>C on transcript NM_000054.7 (MANE Select); coding-DNA position 275, A replaced by C.
Protein change: p.Gln92Pro; replaces glutamine 92 with proline.
Molecular consequence: missense variant.
Genome position (GRCh38, 1-based): chrX:153,905,781, A>C. VCF-style: chrX-153905781-A-C. GRCh37 (hg19) VCF-style: chrX-153171235-A-C.
Other names: c.275A>C, p.Gln92Pro (NM_001146151.3); short protein forms Q92P.
Identifiers: ClinVar variation 3897087 (VCV003897087.1).

ClinVar aggregate classification (germline): Uncertain significance (1 of 4 stars; one submission).

Submission:

GeneDx
Classification: Uncertain significance. Last evaluated: 2024-11-03. Review status: criteria provided, single submitter. Criteria: GeneDx Variant Classification Process June 2021. Collection method: clinical testing. Allele origin: germline. Affected: yes.
Comment: Not observed at significant frequency in large population cohorts (gnomAD); In silico analysis supports that this missense variant has a deleterious effect on protein structure/function; Has not been previously published as pathogenic or benign to our knowledge